The following is an entry in ClinVar:

ClinVar aggregate classification (germline): Uncertain significance (1 of 4 stars; one submission).

Conditions:
Xeroderma pigmentosum, group F (XPF). Also called: XERODERMA PIGMENTOSUM, TYPE F; Xeroderma pigmentosum, type 6; XERODERMA PIGMENTOSUM VI; XP, GROUP F; XERODERMA PIGMENTOSUM, COMPLEMENTATION GROUP F; ERCC4-Related Xeroderma Pigmentosum. Identifiers: MedGen C0268140, MONDO:0010215, OMIM 278760.

gnomAD v4.1: 1 of 1,611,786 alleles (0.000062%); highest among the groups gnomAD compares: Middle Eastern, 0.017%; no homozygotes.

Submission:

St. Jude Molecular Pathology, St. Jude Children's Research Hospital
Classification: Uncertain significance for Xeroderma pigmentosum, group F. Last evaluated: 2026-10-01. Review status: criteria provided, single submitter. Criteria: St. Jude Assertion Criteria 2020. Collection method: clinical testing. Allele origin: germline.
Comment: The ERCC4 c.794C>G p.(Thr265Arg) missense change is absent in gnomAD v2.1.1. The in silico tool REVEL is inconclusive about a pathogenic or benign effect of this variant on protein function, and to our knowledge functional studies have not been performed. To our knowledge, this variant has not been reported in the literature in individuals with Fanconi anemia or Xeroderma pigmentosum. In summary, the evidence currently available is insufficient to determine the clinical significance of this variant. It has therefore been classified as of uncertain significance.

NM_005236.3(ERCC4):c.794C>G (p.Thr265Arg)

Gene: ERCC4 (ERCC excision repair 4, endonuclease catalytic subunit; plus strand). Cytogenetic location: 16p13.12.
Variant type: single nucleotide variant.
Coding change: c.794C>G on transcript NM_005236.3 (MANE Select); coding-DNA position 794, C replaced by G.
Protein change: p.Thr265Arg; replaces threonine 265 with arginine.
Molecular consequence: missense variant.
Genome position (GRCh38, 1-based): chr16:13,930,711, C>G. VCF-style: chr16-13930711-C-G. GRCh37 (hg19) VCF-style: chr16-14024568-C-G.
Other names: short protein forms T265R.
Identifiers: ClinVar variation 5038405 (VCV005038405.1).